The following is an entry in ClinVar:

NM_012418.4(FSCN2):c.1394G>A (p.Ser465Asn)

Gene: FSCN2 (fascin actin-bundling protein 2, retinal; plus strand). Cytogenetic location: 17q25.3.
Variant type: single nucleotide variant.
Coding change: c.1394G>A on transcript NM_012418.4 (MANE Select); coding-DNA position 1394, G replaced by A.
Protein change: p.Ser465Asn; replaces serine 465 with asparagine.
Molecular consequence: missense variant.
Genome position (GRCh38, 1-based): chr17:81,536,995, G>A. VCF-style: chr17-81536995-G-A. GRCh37 (hg19) VCF-style: chr17-79504021-G-A.
Other names: c.1466G>A, p.Ser489Asn (NM_001077182.3); short protein forms S489N, S465N.
Identifiers: ClinVar variation 2089054 (VCV002089054.4), dbSNP rs778166495, ClinGen allele CA8837132.

ClinVar aggregate classification (germline): Uncertain significance (1 of 4 stars; one submission).

Allele frequency attached by ClinVar (database versions not stated): gnomAD exomes below 0.00001; ExAC 0.00005.
gnomAD v4.1: 1 of 1,524,346 alleles (0.000066%); highest among the groups gnomAD compares: Non-Finnish European, 0.000087%; no homozygotes.

Submission:

Labcorp Genetics (formerly Invitae), Labcorp
Classification: Uncertain significance. Last evaluated: 2024-06-03. Review status: criteria provided, single submitter. Criteria: Invitae Variant Classification Sherloc (09022015). Collection method: clinical testing. Allele origin: germline.
Comment: This sequence change replaces serine, which is neutral and polar, with asparagine, which is neutral and polar, at codon 489 of the FSCN2 protein (p.Ser489Asn). This variant is present in population databases (rs778166495, gnomAD 0.002%). This variant has not been reported in the literature in individuals affected with FSCN2-related conditions. ClinVar contains an entry for this variant (Variation ID: 2089054). Algorithms developed to predict the effect of missense changes on protein structure and function output the following: SIFT: "Not Available"; PolyPhen-2: "Benign"; Align-GVGD: "Not Available". The asparagine amino acid residue is found in multiple mammalian species, which suggests that this missense change does not adversely affect protein function. Algorithms developed to predict the effect of sequence changes on RNA splicing suggest that this variant may create or strengthen a splice site. In summary, the available evidence is currently insufficient to determine the role of this variant in disease. Therefore, it has been classified as a Variant of Uncertain Significance.